The following is an entry in ClinVar:

NM_024642.5(GALNT12):c.1664C>T (p.Ser555Leu)

Gene: GALNT12 (polypeptide N-acetylgalactosaminyltransferase 12; plus strand). Cytogenetic location: 9q22.33.
Variant type: single nucleotide variant.
Coding change: c.1664C>T on transcript NM_024642.5 (MANE Select); coding-DNA position 1664, C replaced by T.
Protein change: p.Ser555Leu; replaces serine 555 with leucine.
Molecular consequence: missense variant.
Genome position (GRCh38, 1-based): chr9:98,849,010, C>T. VCF-style: chr9-98849010-C-T. GRCh37 (hg19) VCF-style: chr9-101611292-C-T.
Other names: short protein forms S555L.
Identifiers: ClinVar variation 935621 (VCV000935621.13), dbSNP rs761631783, ClinGen allele CA5154338.

ClinVar aggregate classification (germline): Conflicting classifications of pathogenicity. Review status: criteria provided, conflicting classifications (1 of 4 stars). 2 submissions from 2 submitters: Uncertain significance (1); Likely benign (1). Last evaluated 2024-08-19.

Allele frequency attached by ClinVar (database versions not stated): TOPMed 0.00002.
gnomAD v4.1: 8 of 1,613,966 alleles (0.0005%); highest among the groups gnomAD compares: Non-Finnish European, 0.00068%; no homozygotes.

Submissions (2):

Ambry Genetics
Classification: Likely benign. Last evaluated: 2024-08-19. Review status: criteria provided, single submitter. Criteria: Ambry Variant Classification Scheme 2023. Collection method: clinical testing. Allele origin: germline.

Labcorp Genetics (formerly Invitae), Labcorp
Classification: Uncertain significance. Last evaluated: 2024-03-19. Review status: criteria provided, single submitter. Criteria: Invitae Variant Classification Sherloc (09022015). Collection method: clinical testing. Allele origin: germline.
Comment: This sequence change replaces serine, which is neutral and polar, with leucine, which is neutral and non-polar, at codon 555 of the GALNT12 protein (p.Ser555Leu). This variant is present in population databases (rs761631783, gnomAD 0.0009%). This variant has not been reported in the literature in individuals affected with GALNT12-related conditions. ClinVar contains an entry for this variant (Variation ID: 935621). Algorithms developed to predict the effect of missense changes on protein structure and function output the following: SIFT: "Not Available"; PolyPhen-2: "Benign"; Align-GVGD: "Not Available". The leucine amino acid residue is found in multiple mammalian species, which suggests that this missense change does not adversely affect protein function. In summary, the available evidence is currently insufficient to determine the role of this variant in disease. Therefore, it has been classified as a Variant of Uncertain Significance.